The following is an entry in ClinVar:

ClinVar aggregate classification (germline): Uncertain significance. Review status: criteria provided, multiple submitters, no conflicts (2 of 4 stars). 2 submissions from 2 submitters: Uncertain significance (2). Last evaluated 2024-11-15.

Conditions:
Joubert syndrome 21 (JBTS21). Identifiers: MedGen C3810212, MONDO:0014288, OMIM 615636.
Inborn genetic diseases. Identifiers: MedGen C0950123, MeSH D030342.

Allele frequency attached by ClinVar (database versions not stated): gnomAD exomes below 0.00001; ExAC 0.00001; TOPMed 0.00002; gnomAD 0.00003.
gnomAD v4.1: 8 of 1,606,218 alleles (0.0005%); highest among the groups gnomAD compares: African/African-American, 0.008%; no homozygotes.

Submissions (2):

Ambry Genetics
Classification: Uncertain significance for Inborn genetic diseases. Last evaluated: 2024-11-15. Review status: criteria provided, single submitter. Criteria: Ambry Variant Classification Scheme 2023. Collection method: clinical testing. Allele origin: germline.

Labcorp Genetics (formerly Invitae), Labcorp
Classification: Uncertain significance for Joubert syndrome 21. Last evaluated: 2022-06-13. Review status: criteria provided, single submitter. Criteria: Invitae Variant Classification Sherloc (09022015). Collection method: clinical testing. Allele origin: germline.
Comment: In summary, the available evidence is currently insufficient to determine the role of this variant in disease. Therefore, it has been classified as a Variant of Uncertain Significance. Algorithms developed to predict the effect of missense changes on protein structure and function output the following: SIFT: "Tolerated"; PolyPhen-2: "Benign"; Align-GVGD: "Class C0". The serine amino acid residue is found in multiple mammalian species, which suggests that this missense change does not adversely affect protein function. ClinVar contains an entry for this variant (Variation ID: 1015334). This variant has not been reported in the literature in individuals affected with CSPP1-related conditions. This variant is present in population databases (rs769726340, gnomAD 0.007%). This sequence change replaces asparagine, which is neutral and polar, with serine, which is neutral and polar, at codon 321 of the CSPP1 protein (p.Asn321Ser).

NM_001382391.1(CSPP1):c.935A>G (p.Asn312Ser)

Gene: CSPP1 (centrosome and spindle pole associated protein 1; plus strand). Cytogenetic location: 8q13.2.
Variant type: single nucleotide variant.
Coding change: c.935A>G on transcript NM_001382391.1 (MANE Select); coding-DNA position 935, A replaced by G.
Protein change: p.Asn312Ser; replaces asparagine 312 with serine.
Molecular consequence: missense variant. On other transcripts: intron variant (1).
Genome position (GRCh38, 1-based): chr8:67,103,048, A>G. VCF-style: chr8-67103048-A-G. GRCh37 (hg19) VCF-style: chr8-68015283-A-G.
Other names: c.80A>G, p.Asn27Ser (NM_001291339.2); c.854A>G, p.Asn285Ser (NM_001363131.2, NM_001363133.2); c.935A>G, p.Asn312Ser (NM_001363132.2); c.1043A>G, p.Asn348Ser (NM_001364869.1); c.962A>G, p.Asn321Ser (NM_024790.7); c.951-2857A>G (NM_001364870.1); short protein forms N27S, N285S, N312S, N321S, N348S.
Identifiers: ClinVar variation 1015334 (VCV001015334.9), dbSNP rs769726340, ClinGen allele CA4770395.
Genomic context (GRCh38, chr8:67,103,048, plus strand): 5'-AAGGTCCACTGTATGTGGCACATGCTTTATAAGCTAATGTGTTTTTAAGGATGCACAGGA[A>G]CAAACGAGGGAATATGCCTCCTATGGAACATGATGGGGATGTTATAGAACAGTCAAACAT-3'
Protein context (NP_001369320.1, residues 302-322): RVYTNDRMHR[Asn312Ser]KRGNMPPMEH